The following is an entry in ClinVar:

ClinVar aggregate classification (germline): Uncertain significance. Review status: criteria provided, multiple submitters, no conflicts (2 of 4 stars). 3 submissions from 3 submitters: Uncertain significance (3). Last evaluated 2026-01-21.

Conditions:
Type 1 diabetes mellitus 20 (T1D20). Also called: Diabetes mellitus, insulin-dependent, 20. Identifiers: MedGen C2675866, MONDO:0012919, OMIM 612520.
Diabetes mellitus type 1 (T1D). Also called: Type I diabetes mellitus; Diabetes Mellitus, Juvenile-Onset. Identifiers: MedGen C0011854, MONDO:0005147, OMIM 222100, HP:0100651.
Maturity-onset diabetes of the young type 3. Also called: MODY, type III; MODY type 3. Identifiers: Orphanet 552, MedGen C1838100, MeSH C563933, MONDO:0010894, OMIM 600496. Disease mechanism: loss of function.
Type 2 diabetes mellitus. Also called: Type II diabetes mellitus. Identifiers: MedGen C0011860, MeSH D003924, MONDO:0005148, OMIM 125853, HP:0005978.
Hepatic adenomas, familial. Also called: HEPATIC ADENOMA, SOMATIC; LIVER CELL ADENOMAS, FAMILIAL. Identifiers: MedGen C1840646, MONDO:0007718, OMIM 142330.
Nonpapillary renal cell carcinoma. Identifiers: Orphanet 422526, MedGen CN074294, MONDO:0007763, OMIM 144700.

Allele frequency attached by ClinVar (database versions not stated): gnomAD 0.00001; gnomAD exomes 0.00001 and 0.00002; TOPMed 0.00001; 1000 Genomes Project 30x 0.00016; 1000 Genomes Project 0.00020.
gnomAD v4.1: 8 of 1,614,006 alleles (0.0005%); highest among the groups gnomAD compares: Admixed American, 0.013%; no homozygotes.

Submissions (3):

Labcorp Genetics (formerly Invitae), Labcorp
Classification: Uncertain significance. Last evaluated: 2026-01-21. Review status: criteria provided, single submitter. Criteria: Invitae Variant Classification Sherloc (09022015). Collection method: clinical testing. Allele origin: germline.
Comment: This sequence change replaces proline, which is neutral and non-polar, with serine, which is neutral and polar, at codon 519 of the HNF1A protein (p.Pro519Ser). This variant is present in population databases (rs200639058, gnomAD 0.02%). This variant has not been reported in the literature in individuals affected with HNF1A-related conditions. ClinVar contains an entry for this variant (Variation ID: 1391729). Invitae Evidence Modeling of protein sequence and biophysical properties (such as structural, functional, and spatial information, amino acid conservation, physicochemical variation, residue mobility, and thermodynamic stability) indicates that this missense variant is not expected to disrupt HNF1A protein function with a negative predictive value of 80%. This variant disrupts the p.Pro519 amino acid residue in HNF1A. Other variant(s) that disrupt this residue have been determined to be pathogenic (PMID: 9075818, 30293189; Internal data). This suggests that this residue is clinically significant, and that variants that disrupt this residue are likely to be disease-causing. In summary, the available evidence is currently insufficient to determine the role of this variant in disease. Therefore, it has been classified as a Variant of Uncertain Significance.

Women's Health and Genetics/Laboratory Corporation of America, LabCorp
Classification: Uncertain significance. Last evaluated: 2023-06-02. Review status: criteria provided, single submitter. Criteria: LabCorp Variant Classification Summary - May 2015. Collection method: clinical testing. Allele origin: germline.
Comment: Variant summary: HNF1A c.1555C>T (p.Pro519Ser) results in a non-conservative amino acid change located in the Hepatocyte nuclear factor 1, beta isoform, C-terminal domain (IPR006897) of the encoded protein sequence. Four of five in-silico tools predict a damaging effect of the variant on protein function. The variant allele was found at a frequency of 2.4e-05 in 251250 control chromosomes (gnomAD). The available data on variant occurrences in the general population are insufficient to allow any conclusion about variant significance. To our knowledge, no occurrence of c.1555C>T in individuals affected with Maturity Onset Diabetes Of The Young 3 and no experimental evidence demonstrating its impact on protein function have been reported. A different variant affecting the same amino acid (p.Pro519Leu) has been classified pathogenic in ClinVar (CV ID 1693221) suggesting that this residue may be critical for normal protein function. However, available information is insufficient to conclude variant significance. Two clinical diagnostic laboratories have submitted clinical-significance assessments for this variant to ClinVar after 2014 and classified the variant as uncertain significance. Based on the evidence outlined above, the variant was classified as uncertain significance.

Fulgent Genetics
Classification: Uncertain significance for Type 2 diabetes mellitus; Hepatic adenomas, familial; Nonpapillary renal cell carcinoma; Diabetes mellitus type 1; Maturity-onset diabetes of the young type 3; Type 1 diabetes mellitus 20. Last evaluated: 2022-02-04. Review status: criteria provided, single submitter. Criteria: ACMG Guidelines, 2015. Collection method: clinical testing. Allele origin: unknown.

Literature cited by the submitters: PubMed 9075818 (cited by Labcorp Genetics (formerly Invitae), Labcorp); PubMed 30293189 (cited by Labcorp Genetics (formerly Invitae), Labcorp).

NM_000545.8(HNF1A):c.1555C>T (p.Pro519Ser)

Gene: HNF1A (HNF1 homeobox A; plus strand). Cytogenetic location: 12q24.31.
Variant type: single nucleotide variant.
Coding change: c.1555C>T on transcript NM_000545.8 (MANE Select); coding-DNA position 1555, C replaced by T.
Protein change: p.Pro519Ser; replaces proline 519 with serine.
Molecular consequence: missense variant.
Genome position (GRCh38, 1-based): chr12:120,999,321, C>T. VCF-style: chr12-120999321-C-T. GRCh37 (hg19) VCF-style: chr12-121437124-C-T.
Other names: c.1555C>T, p.Pro519Ser (NM_001306179.2); c.1555C>T (NM_000545.6); short protein forms P519S.
Identifiers: ClinVar variation 1391729 (VCV001391729.9), dbSNP rs200639058, ClinGen allele CA244536078.
Genomic context (GRCh38, chr12:120,999,321, plus strand): 5'-CGGCCAGCCCTCTACAGCCACAAGCCCGAGGTGGCCCAGTACACCCACACGGGCCTGCTC[C>T]CGCAGACTATGCTCATCACCGACACCACCAACCTGAGCGCCCTGGCCAGCCTCACGCCCA-3'
Protein context (NP_000536.6, residues 509-529): VAQYTHTGLL[Pro519Ser]QTMLITDTTN